The following is an entry in ClinVar:

ClinVar aggregate classification (germline): Uncertain significance. Review status: criteria provided, multiple submitters, no conflicts (2 of 4 stars). 2 submissions from 2 submitters: Uncertain significance (2). Last evaluated 2024-12-09.

Conditions:
Alstrom syndrome (ALMS). Identifiers: Orphanet 64, MedGen C0268425, MONDO:0008763, OMIM 203800.

gnomAD v4.1: 10 of 1,613,650 alleles (0.00062%); highest among the groups gnomAD compares: Non-Finnish European, 0.00034%; no homozygotes.

Submissions (2):

GeneDx
Classification: Uncertain significance. Last evaluated: 2024-12-09. Review status: criteria provided, single submitter. Criteria: GeneDx Variant Classification Process June 2021. Collection method: clinical testing. Allele origin: germline.
Comment: Not observed at significant frequency in large population cohorts (gnomAD); In silico analysis supports that this missense variant has a deleterious effect on protein structure/function; Has not been previously published as pathogenic or benign to our knowledge

Department of Pathology and Laboratory Medicine, Sinai Health System
Classification: Uncertain significance for Alstrom syndrome. Last evaluated: 2020-06-23. Review status: criteria provided, single submitter. Criteria: ACMG Guidelines, 2015. Collection method: research. Allele origin: germline.

NM_001378454.1(ALMS1):c.4587G>C (p.Lys1529Asn)

Gene: ALMS1 (ALMS1 centrosome and basal body associated protein; plus strand). Cytogenetic location: 2p13.1.
Variant type: single nucleotide variant.
Coding change: c.4587G>C on transcript NM_001378454.1 (MANE Select); coding-DNA position 4587, G replaced by C.
Protein change: p.Lys1529Asn; replaces lysine 1529 with asparagine.
Molecular consequence: missense variant.
Genome position (GRCh38, 1-based): chr2:73,451,114, G>C. VCF-style: chr2-73451114-G-C. GRCh37 (hg19) VCF-style: chr2-73678241-G-C.
Other names: c.4590G>C, p.Lys1530Asn (NM_015120.4); short protein forms K1529N, K1530N.
Identifiers: ClinVar variation 3360497 (VCV003360497.3).